The following is an entry in ClinVar:

NM_001379500.1(COL18A1):c.107-12152C>T

Gene: COL18A1 (collagen type XVIII alpha 1 chain; plus strand). Cytogenetic location: 21q22.3.
Variant type: single nucleotide variant.
Coding change: c.107-12152C>T on transcript NM_001379500.1 (MANE Select); 12152 bases into the intron before coding-DNA position 107, C replaced by T.
Molecular consequence: intron variant. On other transcripts: missense variant (2).
Genome position (GRCh38, 1-based): chr21:45,456,090, C>T. VCF-style: chr21-45456090-C-T. GRCh37 (hg19) VCF-style: chr21-46876004-C-T.
Other names: c.560C>T, p.Thr187Ile (NM_030582.4, NM_130444.3); short protein forms T187I.
Identifiers: ClinVar variation 1165220 (VCV001165220.21), dbSNP rs142892701, ClinGen allele CA10065512.

ClinVar aggregate classification (germline): Benign/Likely benign. Review status: criteria provided, multiple submitters, no conflicts (2 of 4 stars). 5 submissions from 5 submitters: Benign (4); Likely benign (1). Last evaluated 2026-09-01.

Allele frequency attached by ClinVar (database versions not stated): 1000 Genomes Project 0.00419; 1000 Genomes Project 30x 0.00437; gnomAD 0.00753 and 0.00779; ESP Exome Variant Server 0.00799.
gnomAD v4.1: 15,773 of 1,599,652 alleles (0.99%); highest among the groups gnomAD compares: Non-Finnish European, 1.2%; 97 homozygotes.

Submissions (5):

CeGaT Center for Human Genetics Tuebingen
Classification: Benign. Last evaluated: 2026-09-01. Review status: criteria provided, single submitter. Criteria: CeGaT Center For Human Genetics Tuebingen Variant Classification Criteria Version 2. Collection method: clinical testing. Allele origin: germline. Affected: yes. Observed: 10 variant alleles.
Comment: COL18A1: BP4, BS1, BS2

Labcorp Genetics (formerly Invitae), Labcorp
Classification: Benign. Last evaluated: 2026-02-02. Review status: criteria provided, single submitter. Criteria: Invitae Variant Classification Sherloc (09022015). Collection method: clinical testing. Allele origin: germline.

Blueprint Genetics
Classification: Likely benign. Last evaluated: 2024-11-28. Review status: criteria provided, single submitter. Criteria: ACMG Guidelines, 2015. Collection method: clinical testing. Allele origin: germline.

Genetic Services Laboratory, University of Chicago
Classification: Benign. Last evaluated: 2020-04-30. Review status: criteria provided, single submitter. Criteria: ACMG Guidelines, 2015. Collection method: clinical testing. Allele origin: germline. Affected: no.

Breakthrough Genomics
Classification: Benign. Review status: criteria provided, single submitter. Criteria: ACMG Guidelines, 2015. Collection method: not provided. Allele origin: germline. Inheritance: Autosomal recessive inheritance. Affected: yes.